The following is an entry in ClinVar:

ClinVar aggregate classification (germline): Uncertain significance (1 of 4 stars; one submission).

Conditions:
Early-infantile DEE. Also called: Ohtahara syndrome; Early infantile epileptic encephalopathy with suppression bursts; Early infantile epileptic encephalopathy. Identifiers: Orphanet 1934, MedGen C0393706, MONDO:0800491.

Submission:

Labcorp Genetics (formerly Invitae), Labcorp
Classification: Uncertain significance for Early-infantile DEE. Last evaluated: 2020-04-15. Review status: criteria provided, single submitter. Criteria: Invitae Variant Classification Sherloc (09022015). Collection method: clinical testing. Allele origin: germline.
Comment: In summary, the available evidence is currently insufficient to determine the role of this variant in disease. Therefore, it has been classified as a Variant of Uncertain Significance. Algorithms developed to predict the effect of missense changes on protein structure and function are either unavailable or do not agree on the potential impact of this missense change (SIFT: "Deleterious"; PolyPhen-2: "Possibly Damaging"; Align-GVGD: "Class C0"). This variant has not been reported in the literature in individuals with KCNQ2-related conditions. This variant is not present in population databases (ExAC no frequency). This sequence change replaces lysine with asparagine at codon 327 of the KCNQ2 protein (p.Lys327Asn). The lysine residue is highly conserved and there is a moderate physicochemical difference between lysine and asparagine.

NM_172107.4(KCNQ2):c.981G>T (p.Lys327Asn)

Gene: KCNQ2 (potassium voltage-gated channel subfamily Q member 2; minus strand). Cytogenetic location: 20q13.33.
Variant type: single nucleotide variant.
Coding change: c.981G>T on transcript NM_172107.4 (MANE Select); coding-DNA position 981, G replaced by T.
Protein change: p.Lys327Asn; replaces lysine 327 with asparagine.
Molecular consequence: missense variant.
Genome position (GRCh38, 1-based): chr20:63,438,667, C>A on the plus strand (G>T on the coding strand, the complement: KCNQ2 is on the minus strand). VCF-style: chr20-63438667-C-A. GRCh37 (hg19) VCF-style: chr20-62070020-C-A.
Other names: c.981G>T, p.Lys327Asn (NM_001382235.1, NM_004518.6, NM_172106.3 and 2 more transcripts); short protein forms K327N.
Identifiers: ClinVar variation 1059815 (VCV001059815.10), dbSNP rs2145712415, ClinGen allele CA409652165.